The following is an entry in ClinVar:

ClinVar aggregate classification (germline): Uncertain significance (1 of 4 stars; one submission).

Conditions:
Chédiak-Higashi syndrome (CHS). Also called: Chediak-Higashi Syndrome. Identifiers: Orphanet 167, MedGen C0007965, MONDO:0008963, OMIM 214500.

Submission:

Labcorp Genetics (formerly Invitae), Labcorp
Classification: Uncertain significance for Chédiak-Higashi syndrome. Last evaluated: 2022-03-01. Review status: criteria provided, single submitter. Criteria: Invitae Variant Classification Sherloc (09022015). Collection method: clinical testing. Allele origin: germline.
Comment: In summary, the available evidence is currently insufficient to determine the role of this variant in disease. Therefore, it has been classified as a Variant of Uncertain Significance. Algorithms developed to predict the effect of missense changes on protein structure and function are either unavailable or do not agree on the potential impact of this missense change (SIFT: "Deleterious"; PolyPhen-2: "Probably Damaging"; Align-GVGD: "Class C0"). This variant has not been reported in the literature in individuals affected with LYST-related conditions. This variant is not present in population databases (gnomAD no frequency). This sequence change replaces leucine, which is neutral and non-polar, with proline, which is neutral and non-polar, at codon 1156 of the LYST protein (p.Leu1156Pro).

NM_000081.4(LYST):c.3467T>C (p.Leu1156Pro)

Gene: LYST (lysosomal trafficking regulator; minus strand). Cytogenetic location: 1q42.3.
Variant type: single nucleotide variant.
Coding change: c.3467T>C on transcript NM_000081.4 (MANE Select); coding-DNA position 3467, T replaced by C.
Protein change: p.Leu1156Pro; replaces leucine 1156 with proline.
Molecular consequence: missense variant.
Genome position (GRCh38, 1-based): chr1:235,804,592, A>G on the plus strand (T>C on the coding strand, the complement: LYST is on the minus strand). VCF-style: chr1-235804592-A-G. GRCh37 (hg19) VCF-style: chr1-235967892-A-G.
Other names: c.3467T>C, p.Leu1156Pro (NM_001301365.1); short protein forms L1156P.
Identifiers: ClinVar variation 1924193 (VCV001924193.3), dbSNP rs2527054825, ClinGen allele CA344948891.